The following is an entry in ClinVar:

ClinVar aggregate classification (germline): Likely benign. Review status: criteria provided, multiple submitters, no conflicts (2 of 4 stars). 2 submissions from 2 submitters: Likely benign (2). Last evaluated 2026-08-10.

Conditions:
Familial thoracic aortic aneurysm and aortic dissection (TAAD). Also called: Thoracic aortic aneurysms and dissections. Identifiers: Orphanet 91387, MedGen C4707243, MONDO:0019625.
FLNA-related disorder.

Allele frequency attached by ClinVar (database versions not stated): gnomAD exomes below 0.00001.
gnomAD v4.1: 1 of 1,203,710 alleles (0.000083%); highest among the groups gnomAD compares: Non-Finnish European, 0.00011%; no homozygotes.

Submissions (2):

PreventionGenetics, part of Exact Sciences
Classification: Likely benign for FLNA-related condition. Last evaluated: 2026-08-10. Review status: criteria provided, single submitter. Criteria: ACMG Guidelines, 2015. Collection method: clinical testing. Allele origin: germline.
Comment: This variant is classified as likely benign based on ACMG/AMP sequence variant interpretation guidelines (Richards et al. 2015 PMID: 25741868, with internal and published modifications).

Ambry Genetics
Classification: Likely benign for Familial thoracic aortic aneurysm and aortic dissection. Last evaluated: 2020-07-31. Review status: criteria provided, single submitter. Criteria: Ambry Variant Classification Scheme 2023. Collection method: clinical testing. Allele origin: germline.

NM_001110556.2(FLNA):c.7938G>T (p.Val2646=)

Genes: FLNA (filamin A; minus strand), LOC107988032 (Xq28 proximal FLNA-EMD recombination region; plus strand). Cytogenetic location: Xq28.
Variant type: single nucleotide variant.
Coding change: c.7938G>T on transcript NM_001110556.2 (MANE Select); coding-DNA position 7938, G replaced by T.
Protein change: p.Val2646=; no amino-acid change (valine 2646 retained).
Molecular consequence: synonymous variant.
Genome position (GRCh38, 1-based): chrX:154,348,855, C>A on the plus strand (G>T on the coding strand, the complement: FLNA is on the minus strand). VCF-style: chrX-154348855-C-A. GRCh37 (hg19) VCF-style: chrX-153577223-C-A.
Other names: c.7938G>T (NM_001110556.1); c.7914G>T, p.Val2638= (NM_001456.4).
Identifiers: ClinVar variation 1761197 (VCV001761197.3), dbSNP rs2067594949, ClinGen allele CA519276153.